The following is an entry in ClinVar:

ClinVar aggregate classification (germline): Uncertain significance (1 of 4 stars; one submission).

Allele frequency attached by ClinVar (database versions not stated): gnomAD 0.00001; TOPMed 0.00001.
gnomAD v4.1: 9 of 1,597,598 alleles (0.00056%); highest among the groups gnomAD compares: South Asian, 0.0022%; no homozygotes.

Submission:

Labcorp Genetics (formerly Invitae), Labcorp
Classification: Uncertain significance. Last evaluated: 2023-05-21. Review status: criteria provided, single submitter. Criteria: Invitae Variant Classification Sherloc (09022015). Collection method: clinical testing. Allele origin: germline.
Comment: ClinVar contains an entry for this variant (Variation ID: 2187833). Advanced modeling of protein sequence and biophysical properties (such as structural, functional, and spatial information, amino acid conservation, physicochemical variation, residue mobility, and thermodynamic stability) performed at Invitae indicates that this missense variant is not expected to disrupt DSG1 protein function. In summary, the available evidence is currently insufficient to determine the role of this variant in disease. Therefore, it has been classified as a Variant of Uncertain Significance. This sequence change replaces threonine, which is neutral and polar, with asparagine, which is neutral and polar, at codon 275 of the DSG1 protein (p.Thr275Asn). This variant is present in population databases (rs776654926, gnomAD 0.003%). This variant has not been reported in the literature in individuals affected with DSG1-related conditions.

NM_001942.4(DSG1):c.824C>A (p.Thr275Asn)

Gene: DSG1 (desmoglein 1; plus strand). Cytogenetic location: 18q12.1.
Variant type: single nucleotide variant.
Coding change: c.824C>A on transcript NM_001942.4 (MANE Select); coding-DNA position 824, C replaced by A.
Protein change: p.Thr275Asn; replaces threonine 275 with asparagine.
Molecular consequence: missense variant.
Genome position (GRCh38, 1-based): chr18:31,334,021, C>A. VCF-style: chr18-31334021-C-A. GRCh37 (hg19) VCF-style: chr18-28913984-C-A.
Other names: short protein forms T275N.
Identifiers: ClinVar variation 2187833 (VCV002187833.4), dbSNP rs776654926, ClinGen allele CA8925958.
Genomic context (GRCh38, chr18:31,334,021, plus strand): 5'-TGTAGTTCTCTCTCTTTCACACAGTTTGTGCTAAGAGTTTTCACTTCTTGTTTCAGTATA[C>A]CATAGAAATTCAAGAAAATACTCTAAATTCAAATTTGCTCGAGATTAGAGTAATTGATTT-3'
Protein context (NP_001933.2, residues 265-285): NIPYMEQSSY[Thr275Asn]IEIQENTLNS